The following is an entry in ClinVar:

ClinVar aggregate classification (germline): Uncertain significance (1 of 4 stars; one submission).

Conditions:
Bethlem myopathy 1A. Also called: Bethlem Muscular Dystrophy; Bethlem myopathy 1; MYOPATHY, BENIGN CONGENITAL, WITH CONTRACTURES. Identifiers: Orphanet 610, MedGen CN029274, MONDO:0024530, OMIM 158810.

Allele frequency attached by ClinVar (database versions not stated): gnomAD exomes below 0.00001; TOPMed below 0.00001.
gnomAD v4.1: 3 of 1,607,918 alleles (0.00019%); highest among the groups gnomAD compares: African/African-American, 0.0013%; no homozygotes.

Submission:

Labcorp Genetics (formerly Invitae), Labcorp
Classification: Uncertain significance for Bethlem myopathy 1A. Last evaluated: 2022-06-04. Review status: criteria provided, single submitter. Criteria: Invitae Variant Classification Sherloc (09022015). Collection method: clinical testing. Allele origin: germline.
Comment: This sequence change replaces aspartic acid, which is acidic and polar, with asparagine, which is neutral and polar, at codon 1003 of the COL6A2 protein (p.Asp1003Asn). In summary, the available evidence is currently insufficient to determine the role of this variant in disease. Therefore, it has been classified as a Variant of Uncertain Significance. Advanced modeling of protein sequence and biophysical properties (such as structural, functional, and spatial information, amino acid conservation, physicochemical variation, residue mobility, and thermodynamic stability) performed at Invitae indicates that this missense variant is not expected to disrupt COL6A2 protein function. ClinVar contains an entry for this variant (Variation ID: 640875). This variant has not been reported in the literature in individuals affected with COL6A2-related conditions. This variant is not present in population databases (gnomAD no frequency).

NM_001849.4(COL6A2):c.3007G>A (p.Asp1003Asn)

Gene: COL6A2 (collagen type VI alpha 2 chain; plus strand). Cytogenetic location: 21q22.3.
Variant type: single nucleotide variant.
Coding change: c.3007G>A on transcript NM_001849.4 (MANE Select); coding-DNA position 3007, G replaced by A.
Protein change: p.Asp1003Asn; replaces aspartic acid 1003 with asparagine.
Molecular consequence: missense variant.
Genome position (GRCh38, 1-based): chr21:46,132,499, G>A. VCF-style: chr21-46132499-G-A. GRCh37 (hg19) VCF-style: chr21-47552413-G-A.
Other names: short protein forms D1003N.
Identifiers: ClinVar variation 640875 (VCV000640875.9), dbSNP rs1601270126, ClinGen allele CA410550608.